The following is an entry in ClinVar:

ClinVar aggregate classification (germline): Uncertain significance (1 of 4 stars; one submission).

Conditions:
Hereditary cancer-predisposing syndrome. Also called: Neoplastic Syndromes, Hereditary; Tumor predisposition; Hereditary Cancer Syndrome; Hereditary neoplastic syndrome. Identifiers: Orphanet 140162, MedGen C0027672, MeSH D009386, MONDO:0015356.

Submission:

Ambry Genetics
Classification: Uncertain significance for Hereditary cancer-predisposing syndrome. Last evaluated: 2025-10-16. Review status: criteria provided, single submitter. Criteria: Ambry Variant Classification Scheme 2023. Collection method: clinical testing. Allele origin: germline.
Comment: The p.I923M variant (also known as c.2769C>G), located in coding exon 23 of the EGFR gene, results from a C to G substitution at nucleotide position 2769. The isoleucine at codon 923 is replaced by methionine, an amino acid with highly similar properties. This amino acid position is conserved. In addition, the in silico prediction for this alteration is inconclusive. Based on the available evidence, the clinical significance of this variant remains unclear.

NM_005228.5(EGFR):c.2769C>G (p.Ile923Met)

Gene: EGFR (epidermal growth factor receptor; plus strand). Cytogenetic location: 7p11.2.
Variant type: single nucleotide variant.
Coding change: c.2769C>G on transcript NM_005228.5 (MANE Select); coding-DNA position 2769, C replaced by G.
Protein change: p.Ile923Met; replaces isoleucine 923 with methionine.
Molecular consequence: missense variant.
Genome position (GRCh38, 1-based): chr7:55,198,784, C>G. VCF-style: chr7-55198784-C-G. GRCh37 (hg19) VCF-style: chr7-55266477-C-G.
Other names: c.2634C>G, p.Ile878Met (NM_001346897.2, NM_001346899.2); c.2769C>G, p.Ile923Met (NM_001346898.2); c.2610C>G, p.Ile870Met (NM_001346900.2); c.1968C>G, p.Ile656Met (NM_001346941.2); short protein forms I870M, I923M, I656M, I878M.
Identifiers: ClinVar variation 4638940 (VCV004638940.1).